The following is an entry in ClinVar:

NM_177438.3(DICER1):c.3431A>G (p.Glu1144Gly)

Gene: DICER1 (dicer 1, ribonuclease III; minus strand). Cytogenetic location: 14q32.13.
Variant type: single nucleotide variant.
Coding change: c.3431A>G on transcript NM_177438.3 (MANE Select); coding-DNA position 3431, A replaced by G.
Protein change: p.Glu1144Gly; replaces glutamic acid 1144 with glycine.
Molecular consequence: missense variant.
Genome position (GRCh38, 1-based): chr14:95,103,965, T>C on the plus strand (A>G on the coding strand, the complement: DICER1 is on the minus strand). VCF-style: chr14-95103965-T-C. GRCh37 (hg19) VCF-style: chr14-95570302-T-C.
Other names: c.3431A>G, p.Glu1144Gly (NM_001195573.1, NM_001271282.3, NM_001291628.2 and 1 more transcripts); short protein forms E1144G.
Identifiers: ClinVar variation 951315 (VCV000951315.11), dbSNP rs1891168109, ClinGen allele CA390875473.

ClinVar aggregate classification (germline): Uncertain significance (1 of 4 stars; one submission).

Conditions:
DICER1-related tumor predisposition. Also called: DICER1 syndrome; DICER1-related pleuropulmonary blastoma cancer predisposition syndrome. Identifiers: Orphanet 284343, MedGen C3839822, MONDO:0100216.

Submission:

Labcorp Genetics (formerly Invitae), Labcorp
Classification: Uncertain significance for DICER1-related tumor predisposition. Last evaluated: 2025-04-21. Review status: criteria provided, single submitter. Criteria: Invitae Variant Classification Sherloc (09022015). Collection method: clinical testing. Allele origin: germline.
Comment: This sequence change replaces glutamic acid, which is acidic and polar, with glycine, which is neutral and non-polar, at codon 1144 of the DICER1 protein (p.Glu1144Gly). This variant is not present in population databases (gnomAD no frequency). This variant has not been reported in the literature in individuals affected with DICER1-related conditions. ClinVar contains an entry for this variant (Variation ID: 951315). Invitae Evidence Modeling of protein sequence and biophysical properties (such as structural, functional, and spatial information, amino acid conservation, physicochemical variation, residue mobility, and thermodynamic stability) indicates that this missense variant is not expected to disrupt DICER1 protein function with a negative predictive value of 95%. In summary, the available evidence is currently insufficient to determine the role of this variant in disease. Therefore, it has been classified as a Variant of Uncertain Significance.